The following is an entry in ClinVar:

ClinVar aggregate classification (germline): Uncertain significance. Review status: criteria provided, multiple submitters, no conflicts (2 of 4 stars). 2 submissions from 2 submitters: Uncertain significance (2). Last evaluated 2022-03-10.

Submissions (2):

Labcorp Genetics (formerly Invitae), Labcorp
Classification: Uncertain significance. Last evaluated: 2022-03-10. Review status: criteria provided, single submitter. Criteria: Invitae Variant Classification Sherloc (09022015). Collection method: clinical testing. Allele origin: germline.
Comment: In summary, the available evidence is currently insufficient to determine the role of this variant in disease. Therefore, it has been classified as a Variant of Uncertain Significance. Algorithms developed to predict the effect of missense changes on protein structure and function (SIFT, PolyPhen-2, Align-GVGD) all suggest that this variant is likely to be disruptive. ClinVar contains an entry for this variant (Variation ID: 1062770). This variant has not been reported in the literature in individuals affected with LRP5-related conditions. This variant is not present in population databases (gnomAD no frequency). This sequence change replaces isoleucine, which is neutral and non-polar, with valine, which is neutral and non-polar, at codon 194 of the LRP5 protein (p.Ile194Val).

GeneDx
Classification: Uncertain significance. Last evaluated: 2021-05-26. Review status: criteria provided, single submitter. Criteria: GeneDx Variant Classification Process June 2021. Collection method: clinical testing. Allele origin: germline. Affected: yes.
Comment: Not observed at significant frequency in large population cohorts (Lek et al., 2016); In silico analysis supports that this missense variant does not alter protein structure/function; Has not been previously published as pathogenic or benign to our knowledge

NM_002335.4(LRP5):c.580A>G (p.Ile194Val)

Gene: LRP5 (LDL receptor related protein 5; plus strand). Cytogenetic location: 11q13.2.
Variant type: single nucleotide variant.
Coding change: c.580A>G on transcript NM_002335.4 (MANE Select); coding-DNA position 580, A replaced by G.
Protein change: p.Ile194Val; replaces isoleucine 194 with valine.
Molecular consequence: missense variant. On other transcripts: 5 prime UTR variant (1).
Genome position (GRCh38, 1-based): chr11:68,357,741, A>G. VCF-style: chr11-68357741-A-G. GRCh37 (hg19) VCF-style: chr11-68125209-A-G.
Other names: c.-1186A>G (NM_001291902.2); short protein forms I194V.
Identifiers: ClinVar variation 1062770 (VCV001062770.10), dbSNP rs2098624345, ClinGen allele CA381611817.
Genomic context (GRCh38, chr11:68,357,741, plus strand): 5'-CCCCGGATTGAGCGGGCAGGGATGGATGGCAGCACCCGGAAGATCATTGTGGACTCGGAC[A>G]TTTACTGGCCCAATGGACTGACCATCGACCTGGAGGAGCAGAAGCTCTACTGGGCTGACG-3'
Protein context (NP_002326.2, residues 184-204): STRKIIVDSD[Ile194Val]YWPNGLTIDL